The following is an entry in ClinVar:

ClinVar aggregate classification (germline): Uncertain significance. Review status: criteria provided, multiple submitters, no conflicts (2 of 4 stars). 5 submissions from 5 submitters: Uncertain significance (5). Last evaluated 2024-10-28.

Conditions:
Hypertrophic cardiomyopathy 4. Also called: Familial hypertrophic cardiomyopathy 4. Identifiers: MedGen C1861862, MONDO:0007268, OMIM 115197.
Cardiomyopathy (CMYO). Also called: Cardiomyopathies. Identifiers: Orphanet 167848, MedGen C0878544, MONDO:0004994, HP:0001638. Inheritance: Various modes of inheritance.
Hypertrophic cardiomyopathy. Also called: HYPERTROPHIC MYOCARDIOPATHY. Identifiers: Orphanet 217569, MedGen C0007194, MeSH D002312, MONDO:0005045, HP:0001639.
Cardiovascular phenotype. Identifiers: MedGen CN230736.

Allele frequency attached by ClinVar (database versions not stated): gnomAD exomes below 0.00001; TOPMed 0.00001.
gnomAD v4.1: 4 of 1,582,332 alleles (0.00025%); highest among the groups gnomAD compares: African/African-American, 0.0013%; no homozygotes.

Submissions (5):

Labcorp Genetics (formerly Invitae), Labcorp
Classification: Uncertain significance for Hypertrophic cardiomyopathy. Last evaluated: 2024-10-28. Review status: criteria provided, single submitter. Criteria: Invitae Variant Classification Sherloc (09022015). Collection method: clinical testing. Allele origin: germline.
Comment: This sequence change replaces glutamic acid, which is acidic and polar, with lysine, which is basic and polar, at codon 989 of the MYBPC3 protein (p.Glu989Lys). This variant is not present in population databases (gnomAD no frequency). This variant has not been reported in the literature in individuals affected with MYBPC3-related conditions. ClinVar contains an entry for this variant (Variation ID: 925347). An algorithm developed to predict the effect of missense changes on protein structure and function (PolyPhen-2) suggests that this variant is likely to be disruptive. In summary, the available evidence is currently insufficient to determine the role of this variant in disease. Therefore, it has been classified as a Variant of Uncertain Significance.

All of Us Research Program, National Institutes of Health
Classification: Uncertain significance for Hypertrophic cardiomyopathy. Last evaluated: 2023-12-18. Review status: criteria provided, single submitter. Criteria: ACMG Guidelines, 2015. Collection method: clinical testing. Allele origin: germline. Inheritance: Autosomal dominant inheritance. Observed: 1 variant allele, 1 heterozygote.
Comment: This missense variant replaces glutamic acid with lysine at codon 989 of the MYBPC3 protein. Computational prediction tools and conservation analyses are inconclusive regarding the impact of this variant on the protein function. Computational splicing tools suggest that this variant may not impact RNA splicing. To our knowledge, functional assays have not been performed for this variant nor has this variant been reported in individuals affected with cardiovascular disorders in the literature. This variant has not been identified in the general population by the Genome Aggregation Database (gnomAD). Available evidence is insufficient to determine the role of this variant in disease conclusively. Therefore, this variant is classified as a Variant of Uncertain Significance.

This study involves interpretation of variants in research participants for the purpose of population health screening. Participant phenotype was not available at the time of variant classification. Additional details can be found in publication PMID: 35346344, PMCID: PMC8962531

Color Diagnostics, LLC DBA Color Health
Classification: Uncertain significance for Cardiomyopathy. Last evaluated: 2023-12-05. Review status: criteria provided, single submitter. Criteria: ACMG Guidelines, 2015. Collection method: clinical testing. Allele origin: germline.
Comment: This missense variant replaces glutamic acid with lysine at codon 989 of the MYBPC3 protein. Computational prediction tools and conservation analyses are inconclusive regarding the impact of this variant on the protein function. Computational splicing tools suggest that this variant may not impact RNA splicing. To our knowledge, functional assays have not been performed for this variant nor has this variant been reported in individuals affected with cardiovascular disorders in the literature. This variant has not been identified in the general population by the Genome Aggregation Database (gnomAD). Available evidence is insufficient to determine the role of this variant in disease conclusively. Therefore, this variant is classified as a Variant of Uncertain Significance.

Ambry Genetics
Classification: Uncertain significance for Cardiovascular phenotype. Last evaluated: 2021-09-07. Review status: criteria provided, single submitter. Criteria: Ambry Variant Classification Scheme 2023. Collection method: clinical testing. Allele origin: germline.
Comment: The p.E989K variant (also known as c.2965G>A), located in coding exon 28 of the MYBPC3 gene, results from a G to A substitution at nucleotide position 2965. The glutamic acid at codon 989 is replaced by lysine, an amino acid with similar properties. This amino acid position is conserved. In addition, this alteration is predicted to be tolerated by in silico analysis. Since supporting evidence is limited at this time, the clinical significance of this alteration remains unclear.

CENTOGENE GmbH and LLC - Guiding Precision Medicine
Classification: Uncertain significance for Hypertrophic cardiomyopathy 4. Last evaluated: 2021-05-11. Review status: criteria provided, single submitter. Criteria: ACMG Guidelines, 2015. Collection method: clinical testing. Allele origin: germline.

NM_000256.3(MYBPC3):c.2965G>A (p.Glu989Lys)

Gene: MYBPC3 (myosin binding protein C3; minus strand). Cytogenetic location: 11p11.2.
Variant type: single nucleotide variant.
Coding change: c.2965G>A on transcript NM_000256.3 (MANE Select); coding-DNA position 2965, G replaced by A.
Protein change: p.Glu989Lys; replaces glutamic acid 989 with lysine.
Molecular consequence: missense variant.
Genome position (GRCh38, 1-based): chr11:47,333,951, C>T on the plus strand (G>A on the coding strand, the complement: MYBPC3 is on the minus strand). VCF-style: chr11-47333951-C-T. GRCh37 (hg19) VCF-style: chr11-47355502-C-T.
Other names: short protein forms E989K.
Identifiers: ClinVar variation 925347 (VCV000925347.14), dbSNP rs727503178, ClinGen allele CA380315856.
Genomic context (GRCh38, chr11:47,333,951, plus strand): 5'-CCTGGGGGACAGGGAAGGGGGCCAGTCCCACCTGGAAAGGGATGAGAAGGTTCACAGGCT[C>T]CCCGACCTTCTTCTGAATGGTCTGGCGCAGGTGCCTGGGCAGCTGAAGCCGTGGCCGTTC-3'
Protein context (NP_000247.2, residues 979-999): LRQTIQKKVG[Glu989Lys]PVNLLIPFQG